The following is an entry in ClinVar:

ClinVar aggregate classification (germline): Likely benign. Review status: criteria provided, multiple submitters, no conflicts (2 of 4 stars). 2 submissions from 2 submitters: Likely benign (2). Last evaluated 2025-10-06.

Conditions:
EFTUD2-related disorder. Also called: EFTUD2-related condition.

gnomAD v4.1: 93 of 1,612,914 alleles (0.0058%); highest among the groups gnomAD compares: Non-Finnish European, 0.0077%; no homozygotes.

Submissions (2):

PreventionGenetics, part of Exact Sciences
Classification: Likely benign for EFTUD2-related condition. Last evaluated: 2025-10-06. Review status: criteria provided, single submitter. Criteria: ACMG Guidelines, 2015. Collection method: clinical testing. Allele origin: germline.
Comment: This variant is classified as likely benign based on ACMG/AMP sequence variant interpretation guidelines (Richards et al. 2015 PMID: 25741868, with internal and published modifications).

Labcorp Genetics (formerly Invitae), Labcorp
Classification: Likely benign. Last evaluated: 2025-05-27. Review status: criteria provided, single submitter. Criteria: Invitae Variant Classification Sherloc (09022015). Collection method: clinical testing. Allele origin: germline.

NM_004247.4(EFTUD2):c.1872T>C (p.Ser624=)

Gene: EFTUD2 (elongation factor Tu GTP binding domain containing 2; minus strand). Cytogenetic location: 17q21.31.
Variant type: single nucleotide variant.
Coding change: c.1872T>C on transcript NM_004247.4 (MANE Select); coding-DNA position 1872, T replaced by C.
Protein change: p.Ser624=; no amino-acid change (serine 624 retained).
Molecular consequence: synonymous variant.
Genome position (GRCh38, 1-based): chr17:44,859,170, A>G on the plus strand (T>C on the coding strand, the complement: EFTUD2 is on the minus strand). VCF-style: chr17-44859170-A-G. GRCh37 (hg19) VCF-style: chr17-42936538-A-G.
Other names: c.1767T>C, p.Ser589= (NM_001142605.2); c.1872T>C, p.Ser624= (NM_001258353.2); c.1842T>C, p.Ser614= (NM_001258354.2); c.1872T>C (NM_004247.3).
Identifiers: ClinVar variation 4707446 (VCV004707446.2).